The following is an entry in ClinVar:

NM_000359.3(TGM1):c.1303T>C (p.Phe435Leu)

Gene: TGM1 (transglutaminase 1; minus strand). Cytogenetic location: 14q12.
Variant type: single nucleotide variant.
Coding change: c.1303T>C on transcript NM_000359.3 (MANE Select); coding-DNA position 1303, T replaced by C.
Protein change: p.Phe435Leu; replaces phenylalanine 435 with leucine.
Molecular consequence: missense variant.
Genome position (GRCh38, 1-based): chr14:24,258,384, A>G on the plus strand (T>C on the coding strand, the complement: TGM1 is on the minus strand). VCF-style: chr14-24258384-A-G. GRCh37 (hg19) VCF-style: chr14-24727590-A-G.
Other names: short protein forms F435L.
Identifiers: ClinVar variation 421103 (VCV000421103.2), dbSNP rs754922174, ClinGen allele CA16619857.
Genomic context (GRCh38, chr14:24,258,384, plus strand): 5'-ACCCATCAAAGCCCGAGGGCAGATCCGGCCTCTTCATCCAGCAGTCGTTCCACACATGGA[A>G]GTTCCTGGATGGACATGGAGGAGGGGCTGGGTCTGAGCCCCAGGGTCAGGAGTCCTCAGT-3'
Protein context (NP_000350.1, residues 425-445): EHLNHDSVWN[Phe435Leu]HVWNDCWMKR

ClinVar aggregate classification (germline): Likely pathogenic (1 of 4 stars; one submission).

Submission:

GeneDx
Classification: Likely pathogenic. Last evaluated: 2017-11-16. Review status: criteria provided, single submitter. Criteria: GeneDx Variant Classification (06012015). Collection method: clinical testing. Allele origin: germline. Affected: yes.
Comment: The F435L variant in the TGM1 has not been reported previously as a pathogenic variant, nor as a benign variant, to our knowledge. This variant is not observed in large population cohorts (Lek et al., 2016). The F435L variant is a conservative amino acid substitution, which is not likely to impact secondary protein structure as these residues share similar properties. Nevertheless, in-silico analyses, including protein predictors and evolutionary conservation, support a deleterious effect, as the F435 codon is important for the positioning of the catalytic H436 residue based on TGase-1 protein modeling (Herman et al., 2009). Additionally, other missense variants at the same codon (F435V) and in nearby residues (D430V, H436D, and V437G) have been reported in the Human Gene Mutation Database in association with autosomal recessive congenital ichthyosis (Stenson et al., 2014), supporting the functional importance of this region of the protein. Therefore, we interpret F435L as a likely pathogenic variant.